The following is an entry in ClinVar:

ClinVar aggregate classification (germline): Likely benign. Review status: criteria provided, multiple submitters, no conflicts (2 of 4 stars). 3 submissions from 3 submitters: Likely benign (3). Last evaluated 2026-01-26.

Conditions:
Inosine triphosphatase deficiency. Also called: INOSINE TRIPHOSPHATE PYROPHOSPHOHYDROLASE DEFICIENCY. Identifiers: MedGen C0342800, MONDO:0013461, OMIM 613850.

Allele frequency attached by ClinVar (database versions not stated): gnomAD exomes 0.00004 and 0.00007; ExAC 0.00008; ESP Exome Variant Server 0.00031; gnomAD 0.00031 and 0.00032; TOPMed 0.00035; 1000 Genomes Project 30x 0.00078; 1000 Genomes Project 0.00100.

Submissions (3):

Labcorp Genetics (formerly Invitae), Labcorp
Classification: Likely benign for Inosine triphosphatase deficiency. Last evaluated: 2026-01-26. Review status: criteria provided, single submitter. Criteria: Invitae Variant Classification Sherloc (09022015). Collection method: clinical testing. Allele origin: germline.

CeGaT Center for Human Genetics Tuebingen
Classification: Likely benign. Last evaluated: 2025-11-01. Review status: criteria provided, single submitter. Criteria: CeGaT Center For Human Genetics Tuebingen Variant Classification Criteria Version 2. Collection method: clinical testing. Allele origin: germline. Affected: yes. Observed: 1 variant allele.
Comment: ITPA: BP4, BP7

Blueprint Genetics
Classification: Likely benign. Last evaluated: 2022-01-10. Review status: criteria provided, single submitter. Criteria: ACMG Guidelines, 2015. Collection method: clinical testing. Allele origin: germline.

NM_033453.4(ITPA):c.222T>C (p.Cys74=)

Gene: ITPA (inosine triphosphatase; plus strand). Cytogenetic location: 20p13.
Variant type: single nucleotide variant.
Coding change: c.222T>C on transcript NM_033453.4 (MANE Select); coding-DNA position 222, T replaced by C.
Protein change: p.Cys74=; no amino-acid change (cysteine 74 retained).
Molecular consequence: synonymous variant. On other transcripts: 5 prime UTR variant (4), non-coding transcript variant (2).
Genome position (GRCh38, 1-based): chr20:3,214,017, T>C. VCF-style: chr20-3214017-T-C. GRCh37 (hg19) VCF-style: chr20-3194663-T-C.
Other names: c.99T>C, p.Cys33= (NM_001267623.2); c.-116T>C (NM_001324236.2, NM_001324237.2, NM_001324238.2 and 1 more transcripts); c.222T>C, p.Cys74= (NM_001324240.2); c.171T>C, p.Cys57= (NM_181493.4).
Identifiers: ClinVar variation 788195 (VCV000788195.18), dbSNP rs144254646, ClinGen allele CA9741215.